The following is an entry in ClinVar:

ClinVar aggregate classification (germline): Benign/Likely benign. Review status: criteria provided, multiple submitters, no conflicts (2 of 4 stars). 3 submissions from 3 submitters: Benign (1); Likely benign (1). 1 of the submissions does not count toward it. Last evaluated 2026-05-05.

Conditions:
MLH3-related disorder. Also called: MLH3-related condition.
Colorectal cancer, hereditary nonpolyposis, type 7. Identifiers: Orphanet 144, MedGen C1858380, MONDO:0013725, OMIM 614385.

Allele frequency attached by ClinVar (database versions not stated): ESP Exome Variant Server 0.00008; ExAC 0.00003.
gnomAD v4.1: 16 of 1,614,098 alleles (0.00099%); highest among the groups gnomAD compares: African/African-American, 0.021%; no homozygotes.

Submissions (3):

Myriad Genetics, Inc.
Classification: Benign for Colorectal cancer, hereditary nonpolyposis, type 7. Last evaluated: 2026-05-05. Review status: criteria provided, single submitter. Criteria: Myriad Autosomal Dominant, Autosomal Recessive and X-Linked Classification Criteria (2023). Collection method: clinical testing. Allele origin: unknown.
Comment: This variant is considered benign. This variant is a silent/synonymous amino acid change and it is not expected to impact splicing.

Ambry Genetics
Classification: Likely benign. Last evaluated: 2022-03-20. Review status: criteria provided, single submitter. Criteria: Ambry Variant Classification Scheme 2023. Collection method: clinical testing. Allele origin: germline.

PreventionGenetics, part of Exact Sciences
Classification: Likely benign for MLH3-related condition. Last evaluated: 2023-11-05. Review status: no assertion criteria provided. Collection method: clinical testing. Allele origin: germline. Not counted in ClinVar's aggregate classification.
Comment: This variant is classified as likely benign based on ACMG/AMP sequence variant interpretation guidelines (Richards et al. 2015 PMID: 25741868, with internal and published modifications).

NM_001040108.2(MLH3):c.3186T>C (p.Thr1062=)

Gene: MLH3 (mutL homolog 3; minus strand). Cytogenetic location: 14q24.3.
Variant type: single nucleotide variant.
Coding change: c.3186T>C on transcript NM_001040108.2 (MANE Select); coding-DNA position 3186, T replaced by C.
Protein change: p.Thr1062=; no amino-acid change (threonine 1062 retained).
Molecular consequence: synonymous variant.
Genome position (GRCh38, 1-based): chr14:75,046,470, A>G on the plus strand (T>C on the coding strand, the complement: MLH3 is on the minus strand). VCF-style: chr14-75046470-A-G. GRCh37 (hg19) VCF-style: chr14-75513173-A-G.
Other names: c.3186T>C, p.Thr1062= (NM_014381.3).
Identifiers: ClinVar variation 1728596 (VCV001728596.5), dbSNP rs369063337, ClinGen allele CA7275578.